The following is an entry in ClinVar:

NM_181783.4(TMTC3):c.620A>G (p.Gln207Arg)

Gene: TMTC3 (transmembrane O-mannosyltransferase targeting cadherins 3; plus strand). Cytogenetic location: 12q21.32.
Variant type: single nucleotide variant.
Coding change: c.620A>G on transcript NM_181783.4 (MANE Select); coding-DNA position 620, A replaced by G.
Protein change: p.Gln207Arg; replaces glutamine 207 with arginine.
Molecular consequence: missense variant. On other transcripts: 5 prime UTR variant (1), non-coding transcript variant (1).
Genome position (GRCh38, 1-based): chr12:88,160,225, A>G. VCF-style: chr12-88160225-A-G. GRCh37 (hg19) VCF-style: chr12-88554002-A-G.
Other names: c.440A>G, p.Gln147Arg (NM_001366574.1); c.401A>G, p.Gln134Arg (NM_001366579.1); c.353A>G, p.Gln118Arg (NM_001366580.1); c.-74A>G (NM_001366583.1); short protein forms Q134R, Q207R, Q118R, Q147R.
Identifiers: ClinVar variation 4768647 (VCV004768647.1).

ClinVar aggregate classification (germline): Uncertain significance (1 of 4 stars; one submission).

gnomAD v4.1: 53 of 1,525,244 alleles (0.0035%); highest among the groups gnomAD compares: Middle Eastern, 0.017%; no homozygotes.

Submission:

Labcorp Genetics (formerly Invitae), Labcorp
Classification: Uncertain significance. Last evaluated: 2025-03-05. Review status: criteria provided, single submitter. Criteria: Invitae Variant Classification Sherloc (09022015). Collection method: clinical testing. Allele origin: germline.
Comment: This sequence change replaces glutamine, which is neutral and polar, with arginine, which is basic and polar, at codon 207 of the TMTC3 protein (p.Gln207Arg). This variant is present in population databases (rs755617518, gnomAD 0.01%). This variant has not been reported in the literature in individuals affected with TMTC3-related conditions. An algorithm developed to predict the effect of missense changes on protein structure and function (PolyPhen-2) suggests that this variant is likely to be tolerated. In summary, the available evidence is currently insufficient to determine the role of this variant in disease. Therefore, it has been classified as a Variant of Uncertain Significance.